The following is an entry in ClinVar:

ClinVar aggregate classification (germline): Uncertain significance (1 of 4 stars; one submission).

Conditions:
Hereditary cancer-predisposing syndrome. Also called: Neoplastic Syndromes, Hereditary; Tumor predisposition; Hereditary Cancer Syndrome; Hereditary neoplastic syndrome. Identifiers: Orphanet 140162, MedGen C0027672, MeSH D009386, MONDO:0015356.

Submission:

Ambry Genetics
Classification: Uncertain significance for Hereditary cancer-predisposing syndrome. Last evaluated: 2026-05-14. Review status: criteria provided, single submitter. Criteria: Ambry Variant Classification Scheme 2023. Collection method: clinical testing. Allele origin: germline.
Comment: The p.D199E variant (also known as c.597C>A), located in coding exon 8 of the BAP1 gene, results from a C to A substitution at nucleotide position 597. The aspartic acid at codon 199 is replaced by glutamic acid, an amino acid with highly similar properties. This amino acid position is conserved. In addition, this alteration is predicted to be tolerated by in silico analysis. Based on the available evidence, the clinical significance of this variant remains unclear.

NM_004656.4(BAP1):c.597C>A (p.Asp199Glu)

Gene: BAP1 (BRCA1 associated deubiquitinase 1; minus strand). Cytogenetic location: 3p21.1.
Variant type: single nucleotide variant.
Coding change: c.597C>A on transcript NM_004656.4 (MANE Select); coding-DNA position 597, C replaced by A.
Protein change: p.Asp199Glu; replaces aspartic acid 199 with glutamic acid.
Molecular consequence: missense variant.
Genome position (GRCh38, 1-based): chr3:52,406,891, G>T on the plus strand (C>A on the coding strand, the complement: BAP1 is on the minus strand). VCF-style: chr3-52406891-G-T. GRCh37 (hg19) VCF-style: chr3-52440907-G-T.
Other names: c.597C>A, p.Asp199Glu (NM_001410772.1); short protein forms D199E.
Identifiers: ClinVar variation 4867364 (VCV004867364.1).
Genomic context (GRCh38, chr3:52,406,891, plus strand): 5'-TGCAGTGGCGAGGCCGATACGCTCCATGATGACCCGCCGGGCCTTGTCTGTCCACTCCTC[G>T]TCCTCCCCCCAGGGCCCTAGTGGAGACCAAGACAAGGAATCAGCGAGAAGGAAACCCTGA-3'
Protein context (NP_004647.1, residues 189-209): YPIDHGPWGE[Asp199Glu]EEWTDKARRV